The following is an entry in ClinVar:

ClinVar aggregate classification (germline): Likely pathogenic (1 of 4 stars; one submission).

Conditions:
Joubert syndrome. Also called: CEREBELLOPARENCHYMAL DISORDER IV; JOUBERT-BOLTSHAUSER SYNDROME; Familial aplasia of the vermis. Identifiers: Orphanet 475, MedGen C5979921, MONDO:0018772.
Nephronophthisis. Also called: Juvenile Nephronophthisis. Identifiers: Orphanet 655, MedGen C0687120, MONDO:0019005, HP:0000090.
Meckel-Gruber syndrome. Also called: DYSENCEPHALIA SPLANCHNOCYSTICA; GRUBER SYNDROME; Dysencephalia splachnocystica. Identifiers: Orphanet 564, MedGen C0265215, MONDO:0018921.

Submission:

Labcorp Genetics (formerly Invitae), Labcorp
Classification: Likely pathogenic for Joubert syndrome; Meckel-Gruber syndrome; Nephronophthisis. Last evaluated: 2024-08-12. Review status: criteria provided, single submitter. Criteria: Invitae Variant Classification Sherloc (09022015). Collection method: clinical testing. Allele origin: germline.
Comment: This sequence change affects an acceptor splice site in intron 37 of the CEP290 gene. It is expected to disrupt RNA splicing. Variants that disrupt the donor or acceptor splice site typically lead to a loss of protein function (PMID: 16199547), and loss-of-function variants in CEP290 are known to be pathogenic (PMID: 16909394, 17345604, 20690115). This variant is not present in population databases (gnomAD no frequency). This variant has not been reported in the literature in individuals affected with CEP290-related conditions. Algorithms developed to predict the effect of sequence changes on RNA splicing suggest that this variant may disrupt the consensus splice site. In summary, the currently available evidence indicates that the variant is pathogenic, but additional data are needed to prove that conclusively. Therefore, this variant has been classified as Likely Pathogenic.

Literature cited by the submitters: PubMed 16199547; PubMed 16909394; PubMed 17345604; PubMed 20690115.

NM_025114.4(CEP290):c.5013-2A>C

Gene: CEP290 (centrosomal protein 290; minus strand). Cytogenetic location: 12q21.32.
Variant type: single nucleotide variant.
Coding change: c.5013-2A>C on transcript NM_025114.4 (MANE Select); the canonical splice acceptor site of the intron before coding-DNA position 5013, A replaced by C.
Molecular consequence: splice acceptor variant.
Genome position (GRCh38, 1-based): chr12:88,080,397, T>G on the plus strand (A>C on the coding strand, the complement: CEP290 is on the minus strand). VCF-style: chr12-88080397-T-G. GRCh37 (hg19) VCF-style: chr12-88474174-T-G.
Identifiers: ClinVar variation 3757652 (VCV003757652.2).